The following is an entry in ClinVar:

NM_000234.3(LIG1):c.296C>G (p.Pro99Arg)

Gene: LIG1 (DNA ligase 1; minus strand). Cytogenetic location: 19q13.33.
Variant type: single nucleotide variant.
Coding change: c.296C>G on transcript NM_000234.3 (MANE Select); coding-DNA position 296, C replaced by G.
Protein change: p.Pro99Arg; replaces proline 99 with arginine.
Molecular consequence: missense variant. On other transcripts: non-coding transcript variant (6).
Genome position (GRCh38, 1-based): chr19:48,157,088, G>C on the plus strand (C>G on the coding strand, the complement: LIG1 is on the minus strand). VCF-style: chr19-48157088-G-C. GRCh37 (hg19) VCF-style: chr19-48660345-G-C.
Other names: c.206C>G, p.Pro69Arg (NM_001289063.2, NM_001320971.2); c.296C>G, p.Pro99Arg (NM_001289064.2, NM_001320970.2); short protein forms P99R, P69R.
Identifiers: ClinVar variation 1911968 (VCV001911968.7), dbSNP rs369809477, ClinGen allele CA9547360.

ClinVar aggregate classification (germline): Uncertain significance. Review status: criteria provided, multiple submitters, no conflicts (2 of 4 stars). 2 submissions from 2 submitters: Uncertain significance (2). Last evaluated 2024-12-16.

Allele frequency attached by ClinVar (database versions not stated): gnomAD 0.00004; TOPMed 0.00006; ESP Exome Variant Server 0.00008.
gnomAD v4.1: 8 of 1,613,766 alleles (0.0005%); highest among the groups gnomAD compares: African/African-American, 0.011%; no homozygotes.

Submissions (2):

Labcorp Genetics (formerly Invitae), Labcorp
Classification: Uncertain significance. Last evaluated: 2024-12-16. Review status: criteria provided, single submitter. Criteria: Invitae Variant Classification Sherloc (09022015). Collection method: clinical testing. Allele origin: germline.
Comment: This sequence change replaces proline, which is neutral and non-polar, with arginine, which is basic and polar, at codon 99 of the LIG1 protein (p.Pro99Arg). This variant is present in population databases (rs369809477, gnomAD 0.01%). This variant has not been reported in the literature in individuals affected with LIG1-related conditions. ClinVar contains an entry for this variant (Variation ID: 1911968). An algorithm developed to predict the effect of missense changes on protein structure and function (PolyPhen-2) suggests that this variant is likely to be disruptive. In summary, the available evidence is currently insufficient to determine the role of this variant in disease. Therefore, it has been classified as a Variant of Uncertain Significance.

Ambry Genetics
Classification: Uncertain significance. Last evaluated: 2023-04-19. Review status: criteria provided, single submitter. Criteria: Ambry Variant Classification Scheme 2023. Collection method: clinical testing. Allele origin: germline.